The following is an entry in ClinVar:

ClinVar aggregate classification (germline): Pathogenic (1 of 4 stars; one submission).

Conditions:
Osteogenesis imperfecta type I (OI1). Also called: OI, TYPE I; OSTEOGENESIS IMPERFECTA TARDA; OSTEOGENESIS IMPERFECTA WITH BLUE SCLERAE; Osteogenesis imperfecta type 1; Lobstein's Disease; Lobstein disease. Identifiers: Orphanet 216796, Orphanet 666, MedGen C0023931, MONDO:0008146, OMIM 166200. Disease mechanism: loss of function.

Submission:

Labcorp Genetics (formerly Invitae), Labcorp
Classification: Pathogenic for Osteogenesis imperfecta type I. Last evaluated: 2025-05-19. Review status: criteria provided, single submitter. Criteria: Invitae Variant Classification Sherloc (09022015). Collection method: clinical testing. Allele origin: germline.
Comment: This sequence change falls in intron 32 of the COL1A1 gene. It does not directly change the encoded amino acid sequence of the COL1A1 protein. This variant is not present in population databases (gnomAD no frequency). This variant has been observed in individual(s) with clinical features of osteogenesis imperfecta (internal data). In at least one individual the variant was observed to be de novo. ClinVar contains an entry for this variant (Variation ID: 3724527). Algorithms developed to predict the effect of sequence changes on RNA splicing suggest that this variant may disrupt the consensus splice site. For these reasons, this variant has been classified as Pathogenic.

NM_000088.4(COL1A1):c.2236-9T>A

Gene: COL1A1 (collagen type I alpha 1 chain; minus strand). Cytogenetic location: 17q21.33.
Variant type: single nucleotide variant.
Coding change: c.2236-9T>A on transcript NM_000088.4 (MANE Select); 9 bases into the intron before coding-DNA position 2236, T replaced by A.
Molecular consequence: intron variant.
Genome position (GRCh38, 1-based): chr17:50,190,933, A>T on the plus strand (T>A on the coding strand, the complement: COL1A1 is on the minus strand). VCF-style: chr17-50190933-A-T. GRCh37 (hg19) VCF-style: chr17-48268294-A-T.
Identifiers: ClinVar variation 3724527 (VCV003724527.2).